The following is an entry in ClinVar:

ClinVar aggregate classification (germline): Uncertain significance (1 of 4 stars; one submission).

Allele frequency attached by ClinVar (database versions not stated): gnomAD exomes below 0.00001.
gnomAD v4.1: 2 of 1,614,118 alleles (0.00012%); highest among the groups gnomAD compares: Non-Finnish European, 0.00017%; no homozygotes.

Submission:

GeneDx
Classification: Uncertain significance. Last evaluated: 2023-09-18. Review status: criteria provided, single submitter. Criteria: GeneDx Variant Classification Process June 2021. Collection method: clinical testing. Allele origin: germline. Affected: yes.
Comment: Not observed at significant frequency in large population cohorts (gnomAD); In silico analysis supports that this missense variant has a deleterious effect on protein structure/function; Has not been previously published as pathogenic or benign to our knowledge

NM_015662.3(IFT172):c.1977C>G (p.Phe659Leu)

Gene: IFT172 (intraflagellar transport 172; minus strand). Cytogenetic location: 2p23.3.
Variant type: single nucleotide variant.
Coding change: c.1977C>G on transcript NM_015662.3 (MANE Select); coding-DNA position 1977, C replaced by G.
Protein change: p.Phe659Leu; replaces phenylalanine 659 with leucine.
Molecular consequence: missense variant.
Genome position (GRCh38, 1-based): chr2:27,463,142, G>C on the plus strand (C>G on the coding strand, the complement: IFT172 is on the minus strand). VCF-style: chr2-27463142-G-C. GRCh37 (hg19) VCF-style: chr2-27686009-G-C.
Other names: c.1911C>G, p.Phe637Leu (NM_001410739.1); short protein forms F659L, F637L.
Identifiers: ClinVar variation 2580773 (VCV002580773.1), dbSNP rs2465889664, ClinGen allele CA346385324.